The following is an entry in ClinVar:

ClinVar aggregate classification (germline): Uncertain significance (1 of 4 stars; one submission).

Conditions:
Ataxia-telangiectasia syndrome (AT). Also called: ATAXIA-TELANGIECTASIA, COMPLEMENTATION GROUP A; ATAXIA-TELANGIECTASIA, FRESNO VARIANT; LOUIS-BAR SYNDROME; Ataxia-telangiectasia; Cerebello-oculocutaneous telangiectasia; Immunodeficiency with ataxia telangiectasia. Identifiers: Orphanet 100, MedGen C0004135, MONDO:0008840, OMIM 208900.

Submission:

Labcorp Genetics (formerly Invitae), Labcorp
Classification: Uncertain significance for Ataxia-telangiectasia syndrome. Last evaluated: 2021-07-06. Review status: criteria provided, single submitter. Criteria: Invitae Variant Classification Sherloc (09022015). Collection method: clinical testing. Allele origin: germline.
Comment: This sequence change replaces leucine with glutamine at codon 1028 of the ATM protein (p.Leu1028Gln). The leucine residue is highly conserved and there is a moderate physicochemical difference between leucine and glutamine. This variant is not present in population databases (ExAC no frequency). This variant has not been reported in the literature in individuals affected with ATM-related conditions. Advanced modeling of protein sequence and biophysical properties (such as structural, functional, and spatial information, amino acid conservation, physicochemical variation, residue mobility, and thermodynamic stability) performed at Invitae indicates that this missense variant is not expected to disrupt ATM protein function. In summary, the available evidence is currently insufficient to determine the role of this variant in disease. Therefore, it has been classified as a Variant of Uncertain Significance.

NM_000051.4(ATM):c.3083T>A (p.Leu1028Gln)

Gene: ATM (ATM serine/threonine kinase; plus strand). Cytogenetic location: 11q22.3.
Variant type: single nucleotide variant.
Coding change: c.3083T>A on transcript NM_000051.4 (MANE Select); coding-DNA position 3083, T replaced by A.
Protein change: p.Leu1028Gln; replaces leucine 1028 with glutamine.
Molecular consequence: missense variant.
Genome position (GRCh38, 1-based): chr11:108,272,537, T>A. VCF-style: chr11-108272537-T-A. GRCh37 (hg19) VCF-style: chr11-108143264-T-A.
Other names: c.3083T>A, p.Leu1028Gln (NM_001351834.2); short protein forms L1028Q.
Identifiers: ClinVar variation 1473678 (VCV001473678.8), dbSNP rs1555085776, ClinGen allele CA382515012.